The following is an entry in ClinVar:

NM_003482.4(KMT2D):c.14076G>A (p.Arg4692=)

Gene: KMT2D (lysine methyltransferase 2D; minus strand). Cytogenetic location: 12q13.12.
Variant type: single nucleotide variant.
Coding change: c.14076G>A on transcript NM_003482.4 (MANE Select); coding-DNA position 14076, G replaced by A.
Protein change: p.Arg4692=; no amino-acid change (arginine 4692 retained).
Molecular consequence: synonymous variant.
Genome position (GRCh38, 1-based): chr12:49,029,236, C>T on the plus strand (G>A on the coding strand, the complement: KMT2D is on the minus strand). VCF-style: chr12-49029236-C-T. GRCh37 (hg19) VCF-style: chr12-49423019-C-T.
Identifiers: ClinVar variation 4750176 (VCV004750176.1).

ClinVar aggregate classification (germline): Uncertain significance (1 of 4 stars; one submission).

Conditions:
Kabuki syndrome. Also called: NIIKAWA-KUROKI SYNDROME; Kabuki make-up syndrome. Identifiers: Orphanet 2322, MedGen C0796004, MONDO:0016512.

gnomAD v4.1: 1 of 1,609,842 alleles (0.000062%); highest among the groups gnomAD compares: Non-Finnish European, 0.000085%; no homozygotes.

Submission:

Labcorp Genetics (formerly Invitae), Labcorp
Classification: Uncertain significance for Kabuki syndrome. Last evaluated: 2025-04-11. Review status: criteria provided, single submitter. Criteria: Invitae Variant Classification Sherloc (09022015). Collection method: clinical testing. Allele origin: germline.
Comment: This sequence change affects codon 4692 of the KMT2D mRNA. It is a 'silent' change, meaning that it does not change the encoded amino acid sequence of the KMT2D protein. It affects a nucleotide within the consensus splice site. This variant is present in population databases (no rsID available, gnomAD 0.0009%). This variant has not been reported in the literature in individuals affected with KMT2D-related conditions. Algorithms developed to predict the effect of sequence changes on RNA splicing suggest that this variant is not likely to affect RNA splicing. In summary, the available evidence is currently insufficient to determine the role of this variant in disease. Therefore, it has been classified as a Variant of Uncertain Significance.